The following is an entry in ClinVar:

NM_000360.4(TH):c.292C>T (p.Arg98Ter)

Gene: TH (tyrosine hydroxylase; minus strand). Cytogenetic location: 11p15.5.
Variant type: single nucleotide variant.
Coding change: c.292C>T on transcript NM_000360.4 (MANE Select); coding-DNA position 292, C replaced by T.
Protein change: p.Arg98Ter; replaces arginine 98 with a stop codon.
Molecular consequence: nonsense.
Genome position (GRCh38, 1-based): chr11:2,169,670, G>A on the plus strand (C>T on the coding strand, the complement: TH is on the minus strand). VCF-style: chr11-2169670-G-A. GRCh37 (hg19) VCF-style: chr11-2190900-G-A.
Other names: c.385C>T, p.Arg129Ter (NM_199292.3); c.373C>T, p.Arg125Ter (NM_199293.3); c.292C>T (NM_000360.3); short protein forms R129*, R98*, R125*.
Identifiers: ClinVar variation 374732 (VCV000374732.54), dbSNP rs1057519220, ClinGen allele CA16043869.

ClinVar aggregate classification (germline): Pathogenic/Likely pathogenic. Review status: criteria provided, multiple submitters, no conflicts (2 of 4 stars). 6 submissions from 6 submitters: Pathogenic (3); Likely pathogenic (2). 1 of the submissions does not count toward it. Last evaluated 2024-09-09.

Conditions:
TH-deficient dopa-responsive dystonia. Also called: Segawa syndrome, autosomal recessive; Tyrosine Hydroxylase-Deficient Dopa-Responsive Dystonia; DYT-TH. Identifiers: Orphanet 101150, MedGen C2673535, MONDO:0011551, OMIM 605407.

Allele frequency attached by ClinVar (database versions not stated): gnomAD exomes below 0.00001; TOPMed below 0.00001; gnomAD 0.00002.
gnomAD v4.1: 8 of 1,613,368 alleles (0.0005%); highest among the groups gnomAD compares: African/African-American, 0.0027%; no homozygotes.

Submissions (6):

GeneDx
Classification: Likely pathogenic. Last evaluated: 2024-09-09. Review status: criteria provided, single submitter. Criteria: GeneDx Variant Classification Process June 2021. Collection method: clinical testing. Allele origin: germline.
Comment: Nonsense variant predicted to result in protein truncation or nonsense mediated decay in a gene for which loss of function is a known mechanism of disease; This variant is associated with the following publications: (PMID: 27934587, 38084654, 31419477)

Baylor Genetics
Classification: Pathogenic for TH-deficient dopa-responsive dystonia. Last evaluated: 2023-10-31. Review status: criteria provided, single submitter. Criteria: ACMG Guidelines, 2015. Collection method: clinical testing. Allele origin: unknown.

Labcorp Genetics (formerly Invitae), Labcorp
Classification: Pathogenic for TH-deficient dopa-responsive dystonia. Last evaluated: 2023-10-14. Review status: criteria provided, single submitter. Criteria: Invitae Variant Classification Sherloc (09022015). Collection method: clinical testing. Allele origin: germline.
Comment: This sequence change creates a premature translational stop signal (p.Arg129*) in the TH gene. It is expected to result in an absent or disrupted protein product. Loss-of-function variants in TH are known to be pathogenic (PMID: 22264700, 24753243). The frequency data for this variant in the population databases is considered unreliable, as metrics indicate poor data quality at this position in the gnomAD database. This premature translational stop signal has been observed in individual(s) with tyrosine hydroxylase deficiency (PMID: 27934587). ClinVar contains an entry for this variant (Variation ID: 374732). For these reasons, this variant has been classified as Pathogenic.

CeGaT Center for Human Genetics Tuebingen
Classification: Likely pathogenic. Last evaluated: 2016-11-01. Review status: criteria provided, single submitter. Criteria: CeGaT Center For Human Genetics Tuebingen Variant Classification Criteria Version 2. Collection method: clinical testing. Allele origin: germline. Affected: yes. Observed: 1 variant allele.

Molecular Genetics Lab, CHRU Brest
Classification: Pathogenic for TH-deficient dopa-responsive dystonia. Review status: criteria provided, single submitter. Criteria: ACMG Guidelines, 2015. Collection method: clinical testing. Allele origin: paternal. Affected: yes.

Counsyl
Classification: Likely pathogenic for TH-deficient dopa-responsive dystonia. Last evaluated: 2018-02-08. Review status: no assertion criteria provided. Collection method: clinical testing. Allele origin: unknown. Not counted in ClinVar's aggregate classification.

Literature cited by the submitters: PubMed 22264700 (cited by Labcorp Genetics (formerly Invitae), Labcorp); PubMed 24753243 (cited by Labcorp Genetics (formerly Invitae), Labcorp); PubMed 27934587 (cited by Labcorp Genetics (formerly Invitae), Labcorp and Counsyl).